The following is an entry in ClinVar:

NM_018089.3(ANKZF1):c.1630G>A (p.Ala544Thr)

Gene: ANKZF1 (ankyrin repeat and zinc finger peptidyl tRNA hydrolase 1; plus strand). Cytogenetic location: 2q35.
Variant type: single nucleotide variant.
Coding change: c.1630G>A on transcript NM_018089.3 (MANE Select); coding-DNA position 1630, G replaced by A.
Protein change: p.Ala544Thr; replaces alanine 544 with threonine.
Molecular consequence: missense variant.
Genome position (GRCh38, 1-based): chr2:219,235,251, G>A. VCF-style: chr2-219235251-G-A. GRCh37 (hg19) VCF-style: chr2-220099973-G-A.
Other names: c.1630G>A, p.Ala544Thr (NM_001042410.2); c.1000G>A, p.Ala334Thr (NM_001282792.2); short protein forms A334T, A544T.
Identifiers: ClinVar variation 2823672 (VCV002823672.3), dbSNP rs774352425, ClinGen allele CA2121110.

ClinVar aggregate classification (germline): Uncertain significance (1 of 4 stars; one submission).

Allele frequency attached by ClinVar (database versions not stated): gnomAD exomes below 0.00001; TOPMed below 0.00001; gnomAD 0.00001; ExAC 0.00002.
gnomAD v4.1: 2 of 1,612,534 alleles (0.00012%); highest among the groups gnomAD compares: Admixed American, 0.0017%; no homozygotes.

Submission:

Labcorp Genetics (formerly Invitae), Labcorp
Classification: Uncertain significance. Last evaluated: 2022-12-27. Review status: criteria provided, single submitter. Criteria: Invitae Variant Classification Sherloc (09022015). Collection method: clinical testing. Allele origin: germline.
Comment: In summary, the available evidence is currently insufficient to determine the role of this variant in disease. Therefore, it has been classified as a Variant of Uncertain Significance. Algorithms developed to predict the effect of missense changes on protein structure and function output the following: SIFT: "Tolerated"; PolyPhen-2: "Possibly Damaging"; Align-GVGD: "Class C0". The threonine amino acid residue is found in multiple mammalian species, which suggests that this missense change does not adversely affect protein function. This variant has not been reported in the literature in individuals affected with ANKZF1-related conditions. This variant is present in population databases (rs774352425, gnomAD 0.003%). This sequence change replaces alanine, which is neutral and non-polar, with threonine, which is neutral and polar, at codon 544 of the ANKZF1 protein (p.Ala544Thr).